The following is an entry in ClinVar:

ClinVar aggregate classification (germline): Uncertain significance (1 of 4 stars; one submission).

Submission:

GeneDx
Classification: Uncertain significance. Last evaluated: 2024-12-18. Review status: criteria provided, single submitter. Criteria: GeneDx Variant Classification Process June 2021. Collection method: clinical testing. Allele origin: germline. Affected: yes.
Comment: Frameshift variant predicted to result in abnormal protein length as the last 337 amino acid(s) are replaced with 23 different amino acid(s) with an unclear effect on protein function; Not observed at significant frequency in large population cohorts (gnomAD); Has not been previously published as pathogenic or benign to our knowledge

NM_021072.4(HCN1):c.1659_1665delinsACA (p.Arg554fs)

Gene: HCN1 (hyperpolarization activated cyclic nucleotide gated potassium channel 1; minus strand). Cytogenetic location: 5p12.
Variant type: Indel.
Coding change: c.1659_1665delinsACA on transcript NM_021072.4 (MANE Select); coding-DNA positions 1659 to 1665, TCGAGCT replaced by ACA.
Protein change: p.Arg554fs; shifts the reading frame from arginine 554.
Molecular consequence: frameshift variant.
Genome position (GRCh38, 1-based): chr5:45,267,207-45,267,213, AGCTCGA replaced by TGT on the plus strand (TCGAGCT replaced by ACA on the coding strand, the reverse complement: HCN1 is on the minus strand). VCF-style: chr5-45267207-AGCTCGA-TGT. GRCh37 (hg19) VCF-style: chr5-45267309-AGCTCGA-TGT.
Other names: short protein forms R554fs.
Identifiers: ClinVar variation 3906762 (VCV003906762.1).